The following is an entry in ClinVar:

ClinVar aggregate classification (germline): Uncertain significance (1 of 4 stars; one submission).

Conditions:
Autosomal dominant polycystic kidney disease. Identifiers: Orphanet 730, MedGen C0085413, MONDO:0004691.

Allele frequency attached by ClinVar (database versions not stated): TOPMed below 0.00001; gnomAD 0.00001.
gnomAD v4.1: 2 of 1,613,152 alleles (0.00012%); highest among the groups gnomAD compares: Non-Finnish European, 0.00017%; no homozygotes.

Submission:

Labcorp Genetics (formerly Invitae), Labcorp
Classification: Uncertain significance for Autosomal dominant polycystic kidney disease. Last evaluated: 2023-04-12. Review status: criteria provided, single submitter. Criteria: Invitae Variant Classification Sherloc (09022015). Collection method: clinical testing. Allele origin: germline.
Comment: This sequence change replaces histidine, which is basic and polar, with tyrosine, which is neutral and polar, at codon 773 of the PKD2 protein (p.His773Tyr). This variant is not present in population databases (gnomAD no frequency). This variant has not been reported in the literature in individuals affected with PKD2-related conditions. Advanced modeling of protein sequence and biophysical properties (such as structural, functional, and spatial information, amino acid conservation, physicochemical variation, residue mobility, and thermodynamic stability) performed at Invitae indicates that this missense variant is not expected to disrupt PKD2 protein function. In summary, the available evidence is currently insufficient to determine the role of this variant in disease. Therefore, it has been classified as a Variant of Uncertain Significance.

NM_000297.4(PKD2):c.2317C>T (p.His773Tyr)

Gene: PKD2 (polycystin 2, transient receptor potential cation channel; plus strand). Cytogenetic location: 4q22.1.
Variant type: single nucleotide variant.
Coding change: c.2317C>T on transcript NM_000297.4 (MANE Select); coding-DNA position 2317, C replaced by T.
Protein change: p.His773Tyr; replaces histidine 773 with tyrosine.
Molecular consequence: missense variant. On other transcripts: non-coding transcript variant (1).
Genome position (GRCh38, 1-based): chr4:88,065,838, C>T. VCF-style: chr4-88065838-C-T. GRCh37 (hg19) VCF-style: chr4-88986990-C-T.
Other names: short protein forms H773Y.
Identifiers: ClinVar variation 2918306 (VCV002918306.3), dbSNP rs1444080271, ClinGen allele CA357625249.